The following is an entry in ClinVar:

ClinVar aggregate classification (germline): Uncertain significance. Review status: criteria provided, multiple submitters, no conflicts (2 of 4 stars). 2 submissions from 2 submitters: Uncertain significance (2). Last evaluated 2020-07-30.

Conditions:
Cardiovascular phenotype. Identifiers: MedGen CN230736.
Autosomal recessive limb-girdle muscular dystrophy type 2J (LGMDR10). Also called: Limb-girdle muscular dystrophy, type 2J; MUSCULAR DYSTROPHY, LIMB-GIRDLE, AUTOSOMAL RECESSIVE 10. Identifiers: Orphanet 140922, MedGen C1837342, MONDO:0012127, OMIM 608807.
Dilated cardiomyopathy 1G (CMD1G). Identifiers: Orphanet 154, MedGen C1858763, MONDO:0011400, OMIM 604145.

Submissions (2):

Ambry Genetics
Classification: Uncertain significance for Cardiovascular phenotype. Last evaluated: 2020-07-30. Review status: criteria provided, single submitter. Criteria: Ambry Variant Classification Scheme 2023. Collection method: clinical testing. Allele origin: germline.
Comment: The p.S26041N variant (also known as c.78122G>A), located in coding exon 185 of the TTN gene, results from a G to A substitution at nucleotide position 78122. The serine at codon 26041 is replaced by asparagine, an amino acid with highly similar properties. This amino acid position is poorly conserved in available vertebrate species. In addition, this alteration is predicted to be tolerated by in silico analysis. Since supporting evidence is limited at this time, the clinical significance of this alteration remains unclear.

Labcorp Genetics (formerly Invitae), Labcorp
Classification: Uncertain significance for Dilated cardiomyopathy 1G; Autosomal recessive limb-girdle muscular dystrophy type 2J. Last evaluated: 2018-10-25. Review status: criteria provided, single submitter. Criteria: Invitae Variant Classification Sherloc (09022015). Collection method: clinical testing. Allele origin: germline.
Comment: Algorithms developed to predict the effect of missense changes on protein structure and function are unavailable for the TTN gene. This variant is located in the M band of TTN (PMID: 25589632). Variants in this region may be relevant for neuromuscular disorders, but have not been definitively shown to cause cardiomyopathy (PMID: 23975875). In summary, the available evidence is currently insufficient to determine the role of this variant in disease. Therefore, it has been classified as a Variant of Uncertain Significance. This variant has not been reported in the literature in individuals with TTN-related disease. This variant is not present in population databases (ExAC no frequency). This sequence change replaces serine with asparagine at codon 35106 of the TTN protein (p.Ser35106Asn). There is a small physicochemical difference between serine and asparagine.

Literature cited by the submitters: PubMed 25589632 (cited by Labcorp Genetics (formerly Invitae), Labcorp); PubMed 23975875 (cited by Labcorp Genetics (formerly Invitae), Labcorp).

NM_001267550.2(TTN):c.105317G>A (p.Ser35106Asn)

Genes: TTN-AS1 (TTN antisense RNA 1; plus strand), TTN (titin; minus strand). Cytogenetic location: 2q31.2.
Variant type: single nucleotide variant.
Coding change: c.105317G>A on transcript NM_001267550.2 (MANE Select); coding-DNA position 105317, G replaced by A.
Protein change: p.Ser35106Asn; replaces serine 35106 with asparagine.
Molecular consequence: missense variant.
Genome position (GRCh38, 1-based): chr2:178,531,298, C>T on the plus strand (G>A on the coding strand, the complement: TTN is on the minus strand). VCF-style: chr2-178531298-C-T. GRCh37 (hg19) VCF-style: chr2-179396025-C-T.
Other names: c.100394G>A, p.Ser33465Asn (NM_001256850.1); c.78122G>A, p.Ser26041Asn (NM_003319.4); c.97613G>A, p.Ser32538Asn (NM_133378.4); c.78497G>A, p.Ser26166Asn (NM_133432.3); c.78698G>A, p.Ser26233Asn (NM_133437.4); short protein forms S26041N, S26233N, S26166N, S32538N, S33465N, S35106N.
Identifiers: ClinVar variation 652638 (VCV000652638.9), dbSNP rs1575229486, ClinGen allele CA349409022.